The following is an entry in ClinVar:

NM_015973.5(GAL):c.91A>G (p.Lys31Glu)

Gene: GAL (galanin and GMAP prepropeptide; plus strand). Cytogenetic location: 11q13.2.
Variant type: single nucleotide variant.
Coding change: c.91A>G on transcript NM_015973.5 (MANE Select); coding-DNA position 91, A replaced by G.
Protein change: p.Lys31Glu; replaces lysine 31 with glutamic acid.
Molecular consequence: missense variant.
Genome position (GRCh38, 1-based): chr11:68,685,603, A>G. VCF-style: chr11-68685603-A-G. GRCh37 (hg19) VCF-style: chr11-68453071-A-G.
Other names: short protein forms K31E.
Identifiers: ClinVar variation 999759 (VCV000999759.7), dbSNP rs1945844204, ClinGen allele CA381632827.

ClinVar aggregate classification (germline): Uncertain significance (1 of 4 stars; one submission).

Conditions:
Familial temporal lobe epilepsy 8. Identifiers: Orphanet 101046, MedGen C4225318, MONDO:0014650, OMIM 616461.

Allele frequency attached by ClinVar (database versions not stated): gnomAD exomes below 0.00001.
gnomAD v4.1: 1 of 1,613,562 alleles (0.000062%); highest among the groups gnomAD compares: Admixed American, 0.0017%; no homozygotes.

Submission:

Labcorp Genetics (formerly Invitae), Labcorp
Classification: Uncertain significance for Familial temporal lobe epilepsy 8. Last evaluated: 2020-06-03. Review status: criteria provided, single submitter. Criteria: Invitae Variant Classification Sherloc (09022015). Collection method: clinical testing. Allele origin: germline.
Comment: This variant has not been reported in the literature in individuals with GAL-related conditions. This variant is not present in population databases (ExAC no frequency). This sequence change replaces lysine with glutamic acid at codon 31 of the GAL protein (p.Lys31Glu). The lysine residue is highly conserved and there is a small physicochemical difference between lysine and glutamic acid. In summary, the available evidence is currently insufficient to determine the role of this variant in disease. Therefore, it has been classified as a Variant of Uncertain Significance. Algorithms developed to predict the effect of missense changes on protein structure and function are either unavailable or do not agree on the potential impact of this missense change (SIFT: "Not Available"; PolyPhen-2: "Probably Damaging"; Align-GVGD: "Not Available").